The following is an entry in ClinVar:

ClinVar aggregate classification (germline): Uncertain significance (1 of 4 stars; one submission).

Submission:

Labcorp Genetics (formerly Invitae), Labcorp
Classification: Uncertain significance. Last evaluated: 2022-09-01. Review status: criteria provided, single submitter. Criteria: Invitae Variant Classification Sherloc (09022015). Collection method: clinical testing. Allele origin: germline.
Comment: In summary, the available evidence is currently insufficient to determine the role of this variant in disease. Therefore, it has been classified as a Variant of Uncertain Significance. Experimental studies and prediction algorithms are not available or were not evaluated, and the functional significance of this variant is currently unknown. This variant has not been reported in the literature in individuals affected with GUF1-related conditions. This variant is a gross deletion of the genomic region encompassing exon(s) 5-17 of the GUF1 gene, which includes the termination codon. This deletion extends beyond the assayed region for this gene and therefore may encompass additional genes. While this deletion is not anticipated to lead to nonsense mediated decay, it is expected to alter mRNA translation or result in a truncated protein product.

NC_000004.11:g.(?_44684331)_(44700698_?)del

Gene: GUF1 (GTP binding elongation factor GUF1; plus strand). Cytogenetic location: 4p12.
Variant type: Deletion.
Identifiers: ClinVar variation 1423049 (VCV001423049.5).